The following is an entry in ClinVar:

ClinVar aggregate classification (germline): Benign. Review status: criteria provided, multiple submitters, no conflicts (2 of 4 stars). 2 submissions from 2 submitters: Benign (2). Last evaluated 2021-07-10.

Conditions:
Leber congenital amaurosis 5 (LCA5). Also called: Amaurosis congenita of Leber, type 5. Identifiers: Orphanet 65, MedGen C1858301, MONDO:0011473, OMIM 604537.

Allele frequency attached by ClinVar (database versions not stated): gnomAD exomes 0.80303; gnomAD 0.84542 and 0.84613; TOPMed 0.85767; 1000 Genomes Project 30x 0.88929; 1000 Genomes Project 0.89038.
gnomAD v4.1: 1,189,647 of 1,472,568 alleles (81%); highest among the groups gnomAD compares: East Asian, 99%; 482,679 homozygotes.

Submissions (2):

Genome-Nilou Lab
Classification: Benign for Leber congenital amaurosis 5. Last evaluated: 2021-07-10. Review status: criteria provided, single submitter. Criteria: ACMG Guidelines, 2015. Collection method: clinical testing. Allele origin: germline. Affected: no.

Illumina Laboratory Services, Illumina
Classification: Benign for Leber congenital amaurosis 5. Last evaluated: 2018-01-13. Review status: criteria provided, single submitter. Criteria: ICSL Variant Classification Criteria 13 December 2019. Collection method: clinical testing. Allele origin: germline.
Comment: This variant was observed in the ICSL laboratory as part of a predisposition screen in an ostensibly healthy population. It had not been previously curated by ICSL or reported in the Human Gene Mutation Database (HGMD: prior to June 1st, 2018), and was therefore a candidate for classification through an automated scoring system. Utilizing variant allele frequency, disease prevalence and penetrance estimates, and inheritance mode, an automated score was calculated to assess if this variant is too frequent to cause the disease. Based on the score and internal cut-off values, a variant classified as benign is not then subjected to further curation. The score for this variant resulted in a classification of benign for this disease.

NM_001122769.3(LCA5):c.-62A>G

Gene: LCA5 (lebercilin LCA5; minus strand). Cytogenetic location: 6q14.1.
Variant type: single nucleotide variant.
Coding change: c.-62A>G on transcript NM_001122769.3 (MANE Select); 62 bases upstream of the start codon, A replaced by G.
Molecular consequence: 5 prime UTR variant.
Genome position (GRCh38, 1-based): chr6:79,518,956, T>C on the plus strand (A>G on the coding strand, the complement: LCA5 is on the minus strand). VCF-style: chr6-79518956-T-C. GRCh37 (hg19) VCF-style: chr6-80228673-T-C.
Other names: c.-62A>G (NM_181714.4).
Identifiers: ClinVar variation 358109 (VCV000358109.8), dbSNP rs2803195, ClinGen allele CA10627677.